The following is an entry in ClinVar:

ClinVar aggregate classification (germline): Pathogenic/Likely pathogenic. Review status: criteria provided, multiple submitters, no conflicts (2 of 4 stars). 3 submissions from 3 submitters: Pathogenic (1); Likely pathogenic (2). Last evaluated 2026-09-16.

Conditions:
Autosomal dominant Alport syndrome (ATS3A). Also called: Alport syndrome dominant type; Renal failure and sensorineural hearing loss; ALPORT SYNDROME 3A, AUTOSOMAL DOMINANT. Identifiers: Orphanet 63, Orphanet 88918, MedGen C5882663, MONDO:0007086, OMIM 104200.
Alport syndrome. Also called: Hemorrhagic familial nephritis; Hemorrhagic hereditary nephritis; Congenital hereditary hematuria. Identifiers: Orphanet 63, MedGen C1567741, MONDO:0018965.
Hematuria, benign familial, 2 (BFH2). Identifiers: MedGen C5830421, MONDO:0958186, OMIM 620320.

Submissions (3):

MVZ Martinsried, Medicover Genetics
Classification: Likely pathogenic for Hematuria, benign familial, 2. Last evaluated: 2026-09-16. Review status: criteria provided, single submitter. Criteria: ClinGen Variant Curation SOP V3.2 + Classification Guidance July2025. Collection method: clinical testing. Allele origin: unknown. Affected: yes. Observed: 1 heterozygote.

Natera, Inc.
Classification: Likely pathogenic for Alport syndrome. Last evaluated: 2025-03-10. Review status: criteria provided, single submitter. Criteria: Natera Variant Classification Schema (03/2026). Collection method: clinical testing. Allele origin: germline.
Comment: The c.744_765+66del variant in COL4A3 is a frameshift variant predicted to shift the reading frame and introduce a stop codon. This variant is expected to result in nonsense mediated decay, truncation, or a dysfunctional protein product. This variant is rare in the general population with a frequency below the threshold expected for the associated phenotype(s). Given the available evidence, this variant is classified as Likely Pathogenic.

MVZ Medizinische Genetik Mainz
Classification: Pathogenic for Autosomal dominant Alport syndrome. Last evaluated: 2024-06-04. Review status: criteria provided, single submitter. Criteria: UK Practice Guidelines For Variant Classification V4 01 2020. Collection method: clinical testing. Allele origin: germline. Inheritance: Autosomal dominant inheritance. Affected: yes. Observed: 1 variant allele.
Comment: ACMG Criteria: PVS1,PM2_SUP,PP4

NM_000091.5(COL4A3):c.744_765+66del

Genes: COL4A3 (collagen type IV alpha 3 chain; plus strand), MFF-DT (MFF divergent transcript; minus strand). Cytogenetic location: 2q36.3.
Variant type: Deletion.
Coding change: c.744_765+66del on transcript NM_000091.5 (MANE Select); coding-DNA position 744 through 66 bases into the intron after coding-DNA position 765, 88 bases deleted.
Molecular consequence: splice donor variant.
Genome position (GRCh38, 1-based): chr2:227,253,617-227,253,704, 88 bases deleted. GRCh37 (hg19): chr2:228,118,333-228,118,420.
Other names: c.744_765+66del (NM_000091.4).
Identifiers: ClinVar variation 3256699 (VCV003256699.4).